The following is an entry in ClinVar:

ClinVar aggregate classification (germline): Uncertain significance (1 of 4 stars; one submission).

Conditions:
Orofaciodigital syndrome I (OFD1). Also called: OFDS I; Oral-Facial-Digital Syndrome Type I; Papillon-Leage and Psaume Syndrome. Identifiers: Orphanet 2750, MedGen C1510460, MONDO:0010702, OMIM 311200.

Submission:

3billion
Classification: Uncertain significance for Orofaciodigital syndrome I. Last evaluated: 2025-10-22. Review status: criteria provided, single submitter. Criteria: ACMG Guidelines, 2015. Collection method: clinical testing. Allele origin: germline. Affected: yes.
Comment: The variant is not observed in the gnomAD v4.1.0 dataset. Predicted Consequence/Location: Synonymous variant In silico tools predict the variant to alter splicing and produce an abnormal transcript [SpliceAI: 0.80 (>=0.2, moderate evidence for spliceogenicity)]. Therefore, this variant is classified as VUS according to the recommendation of ACMG/AMP guideline.

NM_003611.3(OFD1):c.1221G>A (p.Glu407=)

Gene: OFD1 (OFD1 centriole and centriolar satellite protein; plus strand). Cytogenetic location: Xp22.2.
Variant type: single nucleotide variant.
Coding change: c.1221G>A on transcript NM_003611.3 (MANE Select); coding-DNA position 1221, G replaced by A.
Protein change: p.Glu407=; no amino-acid change (glutamic acid 407 retained).
Molecular consequence: synonymous variant.
Genome position (GRCh38, 1-based): chrX:13,755,242, G>A. VCF-style: chrX-13755242-G-A. GRCh37 (hg19) VCF-style: chrX-13773361-G-A.
Other names: c.1101G>A, p.Glu367= (NM_001330209.2, NM_001440948.1); c.801G>A, p.Glu267= (NM_001330210.2); c.1221G>A, p.Glu407= (NM_001440947.1).
Identifiers: ClinVar variation 4856293 (VCV004856293.1).